The following is an entry in ClinVar:

ClinVar aggregate classification (germline): Uncertain significance (1 of 4 stars; one submission).

Conditions:
Neurodevelopmental-craniofacial syndrome with variable renal and cardiac abnormalities. Identifiers: MedGen C5561984, MONDO:0859190, OMIM 619522.

Submission:

Juno Genomics, Hangzhou Juno Genomics, Inc
Classification: Uncertain significance for Neurodevelopmental-craniofacial syndrome with variable renal and cardiac abnormalities. Review status: criteria provided, single submitter. Criteria: ACMG Guidelines, 2015. Collection method: clinical testing. Allele origin: germline.
Comment: Absent from controls (or at extremely low frequency if recessive) in Genome Aggregation Database.;De novo (both maternity and paternity confirmed) in a patient with the disease and no family history.;Patient's phenotype or family history is highly specific for a disease with a single genetic etiology.

NM_197968.4(ZMYM2):c.3985C>T (p.Pro1329Ser)

Gene: ZMYM2 (zinc finger MYM-type containing 2; plus strand). Cytogenetic location: 13q12.11.
Variant type: single nucleotide variant.
Coding change: c.3985C>T on transcript NM_197968.4 (MANE Select); coding-DNA position 3985, C replaced by T.
Protein change: p.Pro1329Ser; replaces proline 1329 with serine.
Molecular consequence: missense variant. On other transcripts: non-coding transcript variant (1).
Genome position (GRCh38, 1-based): chr13:20,085,865, C>T. VCF-style: chr13-20085865-C-T. GRCh37 (hg19) VCF-style: chr13-20660005-C-T.
Other names: c.3985C>T, p.Pro1329Ser (NM_001190964.4, NM_001190965.4, NM_001353157.2 and 4 more transcripts); c.3790C>T, p.Pro1264Ser (NM_001353161.3); c.3724C>T, p.Pro1242Ser (NM_001353163.2); short protein forms P1242S, P1264S, P1329S.
Identifiers: ClinVar variation 5005233 (VCV005005233.2).